The following is an entry in ClinVar:

NM_001393769.1(MED12L):c.464G>A (p.Arg155Gln)

Gene: MED12L (mediator complex subunit 12L; plus strand). Cytogenetic location: 3q25.1.
Variant type: single nucleotide variant.
Coding change: c.464G>A on transcript NM_001393769.1 (MANE Select); coding-DNA position 464, G replaced by A.
Protein change: p.Arg155Gln; replaces arginine 155 with glutamine.
Molecular consequence: missense variant.
Genome position (GRCh38, 1-based): chr3:151,127,892, G>A. VCF-style: chr3-151127892-G-A. GRCh37 (hg19) VCF-style: chr3-150845679-G-A.
Other names: c.464G>A, p.Arg155Gln (NM_053002.6); short protein forms R155Q.
Identifiers: ClinVar variation 1709389 (VCV001709389.2), dbSNP rs759022435, ClinGen allele CA2666390.

ClinVar aggregate classification (germline): Uncertain significance (1 of 4 stars; one submission).

Conditions:
Nizon-Isidor syndrome. Identifiers: MedGen C5394350, MONDO:0030030, OMIM 618872.

Allele frequency attached by ClinVar (database versions not stated): ExAC 0.00001; gnomAD 0.00002; TOPMed 0.00003.
gnomAD v4.1: 15 of 1,613,620 alleles (0.00093%); highest among the groups gnomAD compares: Middle Eastern, 0.016%; no homozygotes.

Submission:

MGZ Medical Genetics Center
Classification: Uncertain significance for Nizon-Isidor syndrome. Last evaluated: 2022-05-04. Review status: criteria provided, single submitter. Criteria: ACMG Guidelines, 2015. Collection method: clinical testing. Allele origin: germline. Affected: yes. Observed: 1 variant allele.
Comment: ACMG criteria applied: PM2_SUP, PP2, PP3